The following is an entry in ClinVar:

ClinVar aggregate classification (germline): Likely pathogenic (1 of 4 stars; one submission).

Conditions:
Tuberous sclerosis 1 (TSC1). Identifiers: Orphanet 805, MedGen C1854465, MONDO:0008612, OMIM 191100.

Submission:

Clinical Genomics Laboratory, Washington University in St. Louis
Classification: Likely pathogenic for Tuberous sclerosis 1. Last evaluated: 2024-06-04. Review status: criteria provided, single submitter. Criteria: ACMG Guidelines, 2015. Collection method: clinical testing. Allele origin: germline. Affected: yes.
Comment: A TSC1 c.1934del (p.Pro645Glnfs*8) frameshift variant was identified at near heterozygous allelic fraction, a frequency which may be consistent with it being of germline origin. This variant, to our knowledge, has not been reported in the medical literature and is absent from the general population (gnomAD v4.1.0), indicating it is not a common variant. This frameshift variant is expected to result in premature protein truncation and result in nonsense-mediated decay. Based on ACMG/AMP guidelines for variant interpretation (Richards S et al., PMID: 25741868), the TSC1 c.1934del (p.Pro645Glnfs*8) variant is classified as likely pathogenic.

NM_000368.5(TSC1):c.1934del (p.Pro645fs)

Gene: TSC1 (TSC complex subunit 1; minus strand). Cytogenetic location: 9q34.13.
Variant type: Deletion.
Coding change: c.1934del on transcript NM_000368.5 (MANE Select); coding-DNA position 1934, one base deleted (C; older notation c.1934delC).
Protein change: p.Pro645fs; shifts the reading frame from proline 645.
Molecular consequence: frameshift variant. On other transcripts: non-coding transcript variant (5).
Genome position (GRCh38, 1-based): chr9:132,905,644, G deleted on the plus strand (C on the coding strand, the reverse complement: TSC1 is on the minus strand); the first of 4 consecutive G bases (chr9:132,905,644-132,905,647); deleting any one gives the same sequence. VCF-style (leftmost placement, unchanged base first): chr9-132905643-TG-T. GRCh37 (hg19) VCF-style: chr9-135781030-TG-T.
Other names: c.1931del, p.Pro644fs (NM_001162426.2, NM_001406597.1, NM_001406598.1 and 6 more transcripts); c.1781del, p.Pro594fs (NM_001162427.2, NM_001406610.1); c.1571del, p.Pro524fs (NM_001362177.2, NM_001406614.1, NM_001406615.1 and 5 more transcripts); c.1934del, p.Pro645fs (NM_001406592.1, NM_001406593.1, NM_001406594.1 and 7 more transcripts); c.1778del, p.Pro593fs (NM_001406611.1, NM_001406612.1, NM_001406613.1); c.1568del, p.Pro523fs (NM_001406620.1, NM_001406621.1, NM_001406622.1 and 2 more transcripts); c.983del, p.Pro328fs (NM_001406626.1); c.980del, p.Pro327fs (NM_001406627.1, NM_001406628.1); and 1 more; short protein forms P294fs, P327fs, P328fs, P523fs, P524fs, P593fs, P594fs, P644fs.
Identifiers: ClinVar variation 3600429 (VCV003600429.1).
Genomic context (GRCh38, chr9:132,905,643, plus strand): 5'-GTTCAGCTCCTTGCTGTGCGCGTCTGCTCCCTGCTGTATCAGTCTGTCCAGCACTTCCAT[TG>T]GGGAGGTAGAGGGCACACCATCTTCCTCTGTGTTTCCTTTTGCTTTCTTTAACAGCTCCT-3'